The following is an entry in ClinVar:

NM_000416.3(IFNGR1):c.427A>T (p.Ile143Phe)

Gene: IFNGR1 (interferon gamma receptor 1; minus strand). Cytogenetic location: 6q23.3.
Variant type: single nucleotide variant.
Coding change: c.427A>T on transcript NM_000416.3 (MANE Select); coding-DNA position 427, A replaced by T.
Protein change: p.Ile143Phe; replaces isoleucine 143 with phenylalanine.
Molecular consequence: missense variant.
Genome position (GRCh38, 1-based): chr6:137,204,451, T>A on the plus strand (A>T on the coding strand, the complement: IFNGR1 is on the minus strand). VCF-style: chr6-137204451-T-A. GRCh37 (hg19) VCF-style: chr6-137525588-T-A.
Other names: c.397A>T, p.Ile133Phe (NM_001363526.1); c.304A>T, p.Ile102Phe (NM_001363527.1); short protein forms I143F, I102F, I133F.
Identifiers: ClinVar variation 531670 (VCV000531670.10), dbSNP rs1360211518, ClinGen allele CA365775448.

ClinVar aggregate classification (germline): Uncertain significance (1 of 4 stars; one submission).

Conditions:
Disseminated atypical mycobacterial infection. Identifiers: MedGen C0694566.

Allele frequency attached by ClinVar (database versions not stated): gnomAD exomes below 0.00001; TOPMed 0.00001; gnomAD 0.00001.

Submission:

Labcorp Genetics (formerly Invitae), Labcorp
Classification: Uncertain significance for Disseminated atypical mycobacterial infection. Last evaluated: 2020-02-22. Review status: criteria provided, single submitter. Criteria: Invitae Variant Classification Sherloc (09022015). Collection method: clinical testing. Allele origin: germline.
Comment: In summary, the available evidence is currently insufficient to determine the role of this variant in disease. Therefore, it has been classified as a Variant of Uncertain Significance. Algorithms developed to predict the effect of missense changes on protein structure and function do not agree on the potential impact of this missense change (SIFT: "Deleterious"; PolyPhen-2: "Possibly Damaging"; Align-GVGD: "Class C0"). This variant has not been reported in the literature in individuals with IFNGR1-related disease. This variant is not present in population databases (ExAC no frequency). This sequence change replaces isoleucine with phenylalanine at codon 143 of the IFNGR1 protein (p.Ile143Phe). The isoleucine residue is weakly conserved and there is a small physicochemical difference between isoleucine and phenylalanine.